The following is an entry in ClinVar:

ClinVar aggregate classification (germline): Uncertain significance. Review status: criteria provided, multiple submitters, no conflicts (2 of 4 stars). 2 submissions from 2 submitters: Uncertain significance (2). Last evaluated 2024-10-03.

Conditions:
Inborn genetic diseases. Identifiers: MedGen C0950123, MeSH D030342.

Allele frequency attached by ClinVar (database versions not stated): gnomAD exomes below 0.00001; ExAC 0.00001; gnomAD 0.00003 and 0.00004; TOPMed 0.00004.
gnomAD v4.1: 7 of 1,613,984 alleles (0.00043%); highest among the groups gnomAD compares: African/African-American, 0.0093%; no homozygotes.

Submissions (2):

Ambry Genetics
Classification: Uncertain significance for Inborn genetic diseases. Last evaluated: 2024-10-03. Review status: criteria provided, single submitter. Criteria: Ambry Variant Classification Scheme 2023. Collection method: clinical testing. Allele origin: germline.

Labcorp Genetics (formerly Invitae), Labcorp
Classification: Uncertain significance. Last evaluated: 2023-03-23. Review status: criteria provided, single submitter. Criteria: Invitae Variant Classification Sherloc (09022015). Collection method: clinical testing. Allele origin: germline.
Comment: This sequence change replaces tyrosine, which is neutral and polar, with histidine, which is basic and polar, at codon 475 of the GRM6 protein (p.Tyr475His). In summary, the available evidence is currently insufficient to determine the role of this variant in disease. Therefore, it has been classified as a Variant of Uncertain Significance. Advanced modeling of protein sequence and biophysical properties (such as structural, functional, and spatial information, amino acid conservation, physicochemical variation, residue mobility, and thermodynamic stability) performed at Invitae indicates that this missense variant is expected to disrupt GRM6 protein function. ClinVar contains an entry for this variant (Variation ID: 857124). This variant has not been reported in the literature in individuals affected with GRM6-related conditions. This variant is present in population databases (rs770678478, gnomAD 0.008%).

NM_000843.4(GRM6):c.1423T>C (p.Tyr475His)

Genes: GRM6 (glutamate metabotropic receptor 6; minus strand), ZNF454 (zinc finger protein 454; plus strand). Cytogenetic location: 5q35.3.
Variant type: single nucleotide variant.
Coding change: c.1423T>C on transcript NM_000843.4 (MANE Select); coding-DNA position 1423, T replaced by C.
Protein change: p.Tyr475His; replaces tyrosine 475 with histidine.
Molecular consequence: missense variant.
Genome position (GRCh38, 1-based): chr5:178,986,915, A>G on the plus strand (T>C on the coding strand, the complement: GRM6 is on the minus strand). VCF-style: chr5-178986915-A-G. GRCh37 (hg19) VCF-style: chr5-178413916-A-G.
Other names: short protein forms Y475H.
Identifiers: ClinVar variation 857124 (VCV000857124.9), dbSNP rs770678478, ClinGen allele CA3594053.